The following is an entry in ClinVar:

NM_018082.6(POLR3B):c.188A>G (p.Glu63Gly)

Gene: POLR3B (RNA polymerase III subunit B; plus strand). Cytogenetic location: 12q23.3.
Variant type: single nucleotide variant.
Coding change: c.188A>G on transcript NM_018082.6 (MANE Select); coding-DNA position 188, A replaced by G.
Protein change: p.Glu63Gly; replaces glutamic acid 63 with glycine.
Molecular consequence: missense variant.
Genome position (GRCh38, 1-based): chr12:106,366,683, A>G. VCF-style: chr12-106366683-A-G. GRCh37 (hg19) VCF-style: chr12-106760461-A-G.
Other names: c.14A>G, p.Glu5Gly (NM_001160708.2); short protein forms E5G, E63G.
Identifiers: ClinVar variation 1312368 (VCV001312368.2), dbSNP rs2136883167, ClinGen allele CA386385529.

ClinVar aggregate classification (germline): Uncertain significance (1 of 4 stars; one submission).

Submission:

GeneDx
Classification: Uncertain significance. Last evaluated: 2019-09-16. Review status: criteria provided, single submitter. Criteria: GeneDx Variant Classification Process June 2021. Collection method: clinical testing. Allele origin: germline. Affected: yes.
Comment: Not observed in large population cohorts (Lek et al., 2016); In silico analysis, which includes protein predictors and evolutionary conservation, supports a deleterious effect; Has not been previously published as pathogenic or benign to our knowledge